The following is an entry in ClinVar:

ClinVar aggregate classification (germline): Likely benign. Review status: criteria provided, single submitter (1 of 4 stars). 2 submissions from 2 submitters: Likely benign (1). 1 of the submissions does not count toward it. Last evaluated 2024-11-19.

Conditions:
PDE4D-related disorder. Also called: PDE4D-related condition.

Submissions (2):

Blueprint Genetics
Classification: Likely benign. Last evaluated: 2024-11-19. Review status: criteria provided, single submitter. Criteria: ACMG Guidelines, 2015. Collection method: clinical testing. Allele origin: germline.

PreventionGenetics, part of Exact Sciences
Classification: Likely benign for PDE4D-related condition. Last evaluated: 2019-06-24. Review status: no assertion criteria provided. Collection method: clinical testing. Allele origin: germline. Not counted in ClinVar's aggregate classification.
Comment: This variant is classified as likely benign based on ACMG/AMP sequence variant interpretation guidelines (Richards et al. 2015 PMID: 25741868, with internal and published modifications).

NM_001104631.2(PDE4D):c.456-59439dup

Gene: PDE4D (phosphodiesterase 4D; minus strand). Cytogenetic location: 5q11.2.
Variant type: Duplication.
Coding change: c.456-59439dup on transcript NM_001104631.2 (MANE Select); 59439 bases into the intron before coding-DNA position 456, one base duplicated (T; older notation c.456-59439dupT).
Molecular consequence: intron variant. On other transcripts: 5 prime UTR variant (1).
Genome position (GRCh38, 1-based): chr5:59,275,407, A duplicated on the plus strand (T on the coding strand, the reverse complement: PDE4D is on the minus strand); the first of 8 consecutive A bases (chr5:59,275,407-59,275,414); duplicating any one gives the same sequence. VCF-style (leftmost placement, unchanged base first): chr5-59275406-G-GA. GRCh37 (hg19) VCF-style: chr5-58571232-G-GA.
Other names: c.-5dup (NM_001197220.2); c.273-59439dup (NM_001364599.1, NM_001165899.2, NM_001364600.2); c.-239-59439dup (NM_001349243.2, NM_001364604.1); c.243-59439dup (NM_001349241.2); c.264-59439dup (NM_001197218.2, NM_001364602.2, NM_001364601.1); c.-495-59439dup (NM_001364603.1); c.48-59439dup (NM_006203.5); c.126-59439dup (NM_001349242.2); and 1 more.
Identifiers: ClinVar variation 3043414 (VCV003043414.3), dbSNP rs781408537, ClinGen allele CA3276480.
Genomic context (GRCh38, chr5:59,275,406, plus strand): 5'-CTCTGCAGTCCTTAGGGAACTTGTAGATCGGGATCTTGGCTTCATAATAATGCTCATTTT[G>GA]AAAAAAAATAAAAAGGAAAATAAGTCTTCAACTATTCTGATTAATACATTCTAACTGTCT-3'